The following is an entry in ClinVar:

NM_003403.5(YY1):c.221_241del (p.His74_His80del)

Gene: YY1 (YY1 transcription factor; plus strand). Cytogenetic location: 14q32.2.
Variant type: Deletion.
Coding change: c.221_241del on transcript NM_003403.5 (MANE Select); coding-DNA positions 221 to 241, 21 bases deleted (ACCATCACCACCACCACCACC).
Protein change: p.His74_His80del.
Molecular consequence: inframe deletion.
Genome position (GRCh38, 1-based): chr14:100,239,465-100,239,485, ACCATCACCACCACCACCACC deleted; deleting any 21 consecutive bases within chr14:100,239,451-100,239,485 gives the same sequence; the c. name uses the placement nearest the transcript's 3' end. VCF-style (leftmost placement, unchanged base first): chr14-100239450-GCCACCACCACCACCACCATCA-G. GRCh37 (hg19) VCF-style: chr14-100705787-GCCACCACCACCACCACCATCA-G.
Other names: c.221_241del21 (NM_003403.5).
Identifiers: ClinVar variation 2627267 (VCV002627267.2), dbSNP rs759320537, ClinGen allele CA7343957.

ClinVar aggregate classification (germline): Uncertain significance (1 of 4 stars; one submission).

Submission:

Women's Health and Genetics/Laboratory Corporation of America, LabCorp
Classification: Uncertain significance. Last evaluated: 2024-10-15. Review status: criteria provided, single submitter. Criteria: LabCorp Variant Classification Summary - May 2015. Collection method: clinical testing. Allele origin: germline.
Comment: Variant summary: YY1 c.221_241del21 (p.His74_His80del) results in an in-frame deletion that is predicted to remove 7 amino acids from the encoded protein. The frequency data for this variant in gnomAD is considered unreliable, as metrics indicate poor data quality at this position. To our knowledge, no occurrence of c.221_241del21 in individuals affected with Gabriele De Vries Syndrome and no experimental evidence demonstrating its impact on protein function have been reported. ClinVar contains an entry for this variant (Variation ID: 2627267). Based on the evidence outlined above, the variant was classified as uncertain significance.